The following is an entry in ClinVar:

ClinVar aggregate classification (germline): Uncertain significance (1 of 4 stars; one submission).

Conditions:
Hereditary hyperekplexia. Identifiers: Orphanet 3197, MedGen C4084968, MONDO:0021022.

Submission:

Labcorp Genetics (formerly Invitae), Labcorp
Classification: Uncertain significance for Hereditary hyperekplexia. Last evaluated: 2023-12-12. Review status: criteria provided, single submitter. Criteria: Invitae Variant Classification Sherloc (09022015). Collection method: clinical testing. Allele origin: germline.
Comment: This sequence change replaces aspartic acid, which is acidic and polar, with glutamic acid, which is acidic and polar, at codon 176 of the GLRA1 protein (p.Asp176Glu). This variant is not present in population databases (gnomAD no frequency). This variant has not been reported in the literature in individuals affected with GLRA1-related conditions. Advanced modeling of protein sequence and biophysical properties (such as structural, functional, and spatial information, amino acid conservation, physicochemical variation, residue mobility, and thermodynamic stability) performed at Invitae indicates that this missense variant is expected to disrupt GLRA1 protein function with a positive predictive value of 95%. In summary, the available evidence is currently insufficient to determine the role of this variant in disease. Therefore, it has been classified as a Variant of Uncertain Significance.

NM_000171.4(GLRA1):c.528T>A (p.Asp176Glu)

Gene: GLRA1 (glycine receptor alpha 1; minus strand). Cytogenetic location: 5q33.1.
Variant type: single nucleotide variant.
Coding change: c.528T>A on transcript NM_000171.4 (MANE Select); coding-DNA position 528, T replaced by A.
Protein change: p.Asp176Glu; replaces aspartic acid 176 with glutamic acid.
Molecular consequence: missense variant.
Genome position (GRCh38, 1-based): chr5:151,856,332, A>T on the plus strand (T>A on the coding strand, the complement: GLRA1 is on the minus strand). VCF-style: chr5-151856332-A-T. GRCh37 (hg19) VCF-style: chr5-151235893-A-T.
Other names: c.528T>A, p.Asp176Glu (NM_001146040.2); c.279T>A, p.Asp93Glu (NM_001292000.2); short protein forms D93E, D176E.
Identifiers: ClinVar variation 2702475 (VCV002702475.3), dbSNP rs1219340684, ClinGen allele CA361840568.